The following is an entry in ClinVar:

ClinVar aggregate classification (germline): Uncertain significance (1 of 4 stars; one submission).

gnomAD v4.1: 4 of 1,612,082 alleles (0.00025%); highest among the groups gnomAD compares: African/African-American, 0.0013%; no homozygotes.

Submission:

GeneDx
Classification: Uncertain significance. Last evaluated: 2023-05-05. Review status: criteria provided, single submitter. Criteria: GeneDx Variant Classification Process June 2021. Collection method: clinical testing. Allele origin: germline. Affected: yes.
Comment: Not observed at significant frequency in large population cohorts (gnomAD); In silico analysis supports that this missense variant has a deleterious effect on protein structure/function; Has not been previously published as pathogenic or benign to our knowledge

NM_015076.5(CDK19):c.547C>T (p.Pro183Ser)

Gene: CDK19 (cyclin dependent kinase 19; minus strand). Cytogenetic location: 6q21.
Variant type: single nucleotide variant.
Coding change: c.547C>T on transcript NM_015076.5 (MANE Select); coding-DNA position 547, C replaced by T.
Protein change: p.Pro183Ser; replaces proline 183 with serine.
Molecular consequence: missense variant. On other transcripts: intron variant (1).
Genome position (GRCh38, 1-based): chr6:110,632,129, G>A on the plus strand (C>T on the coding strand, the complement: CDK19 is on the minus strand). VCF-style: chr6-110632129-G-A. GRCh37 (hg19) VCF-style: chr6-110953332-G-A.
Other names: c.367C>T, p.Pro123Ser (NM_001300963.2, NM_001300964.2); c.515-4984C>T (NM_001300960.2); short protein forms P123S, P183S.
Identifiers: ClinVar variation 3343294 (VCV003343294.1).